The following is an entry in ClinVar:

NM_000355.4(TCN2):c.962dup (p.Thr322fs)

Gene: TCN2 (transcobalamin 2; plus strand). Cytogenetic location: 22q12.2.
Variant type: Duplication.
Coding change: c.962dup on transcript NM_000355.4 (MANE Select); coding-DNA position 962, one base duplicated (A; older notation c.962dupA).
Protein change: p.Thr322fs; shifts the reading frame from threonine 322.
Molecular consequence: frameshift variant.
Genome position (GRCh38, 1-based): chr22:30,617,351, A duplicated. VCF-style (leftmost placement, unchanged base first): chr22-30617350-G-GA. GRCh37 (hg19) VCF-style: chr22-31013337-G-GA.
Other names: c.881dup, p.Thr295fs (NM_001184726.2); short protein forms T295fs, T322fs.
Identifiers: ClinVar variation 2700602 (VCV002700602.3), dbSNP rs2517912426, ClinGen allele CA2697552691.
Genomic context (GRCh38, chr22:30,617,350, plus strand): 5'-GTCCTCACACCAGCTGCCCGCCCCTTTCTTCCTGGCACAGTCATGTTGGAACCAGCTGCT[G>GA]AGACCATTCCTCAGACCCAAGAGATCATCAGTGTCACGCTGCAGGTGCTTAGTCTCTTGC-3'

ClinVar aggregate classification (germline): Pathogenic (1 of 4 stars; one submission).

Conditions:
Transcobalamin II deficiency (TCN2D). Also called: Transcolabamin II deficiency; TC II DEFICIENCY; TCN2 DEFICIENCY. Identifiers: Orphanet 859, MedGen C0342701, MONDO:0010149, OMIM 275350.

Submission:

Labcorp Genetics (formerly Invitae), Labcorp
Classification: Pathogenic for Transcobalamin II deficiency. Last evaluated: 2023-12-03. Review status: criteria provided, single submitter. Criteria: Invitae Variant Classification Sherloc (09022015). Collection method: clinical testing. Allele origin: germline.
Comment: This sequence change creates a premature translational stop signal (p.Thr322Aspfs*17) in the TCN2 gene. It is expected to result in an absent or disrupted protein product. Loss-of-function variants in TCN2 are known to be pathogenic (PMID: 7980584, 20352340). This variant is not present in population databases (gnomAD no frequency). This variant has not been reported in the literature in individuals affected with TCN2-related conditions. For these reasons, this variant has been classified as Pathogenic.

Literature cited by the submitters: PubMed 7980584; PubMed 20352340.